The following is an entry in ClinVar:

NM_201599.3(ZMYM3):c.2619C>A (p.Ile873=)

Gene: ZMYM3 (zinc finger MYM-type containing 3; minus strand). Cytogenetic location: Xq13.1.
Variant type: single nucleotide variant.
Coding change: c.2619C>A on transcript NM_201599.3 (MANE Select); coding-DNA position 2619, C replaced by A.
Protein change: p.Ile873=; no amino-acid change (isoleucine 873 retained).
Molecular consequence: synonymous variant.
Genome position (GRCh38, 1-based): chrX:71,246,052, G>T on the plus strand (C>A on the coding strand, the complement: ZMYM3 is on the minus strand). VCF-style: chrX-71246052-G-T. GRCh37 (hg19) VCF-style: chrX-70465902-G-T.
Other names: c.2583C>A, p.Ile861= (NM_001171162.1); c.2619C>A, p.Ile873= (NM_005096.3).
Identifiers: ClinVar variation 2660863 (VCV002660863.24), dbSNP rs1477583154, ClinGen allele CA516719601.
Genomic context (GRCh38, chrX:71,246,052, plus strand): 5'-AGGCATCGAGAAAGGCACCGGGACTTTCTGGCAGTACAGATGCATAGGCACTGGCACGAA[G>T]ATGGGCACTGGGATGGGCAGCACGATCACCTGTGGCTTCCACTCTTCTGTGGATAAGAAA-3'
Protein context (NP_963893.1, residues 863-883): QVIVLPIPVP[Ile873=]FVPVPMHLYC

ClinVar aggregate classification (germline): Likely benign (1 of 4 stars; one submission).

Allele frequency attached by ClinVar (database versions not stated): gnomAD 0.00002; TOPMed 0.00002; gnomAD exomes 0.00005.
gnomAD v4.1: 52 of 1,209,634 alleles (0.0043%); highest among the groups gnomAD compares: Non-Finnish European, 0.0057%; no homozygotes.

Submission:

CeGaT Center for Human Genetics Tuebingen
Classification: Likely benign. Last evaluated: 2023-09-01. Review status: criteria provided, single submitter. Criteria: CeGaT Center For Human Genetics Tuebingen Variant Classification Criteria Version 2. Collection method: clinical testing. Allele origin: germline. Affected: yes. Observed: 1 variant allele.
Comment: ZMYM3: BP4